The following is an entry in ClinVar:

NM_022765.4(MICAL1):c.2694G>T (p.Lys898Asn)

Gene: MICAL1 (microtubule associated monooxygenase, calponin and LIM domain containing 1; minus strand). Cytogenetic location: 6q21.
Variant type: single nucleotide variant.
Coding change: c.2694G>T on transcript NM_022765.4 (MANE Select); coding-DNA position 2694, G replaced by T.
Protein change: p.Lys898Asn; replaces lysine 898 with asparagine.
Molecular consequence: missense variant.
Genome position (GRCh38, 1-based): chr6:109,445,509, C>A on the plus strand (G>T on the coding strand, the complement: MICAL1 is on the minus strand). VCF-style: chr6-109445509-C-A. GRCh37 (hg19) VCF-style: chr6-109766712-C-A.
Other names: c.2436G>T, p.Lys812Asn (NM_001159291.2); c.2751G>T, p.Lys917Asn (NM_001286613.2); short protein forms K812N, K917N, K898N.
Identifiers: ClinVar variation 2717848 (VCV002717848.3), dbSNP rs755666940, ClinGen allele CA3952791.
Genomic context (GRCh38, chr6:109,445,509, plus strand): 5'-CTTCGCACGGCGCAGCAGAGTCCGACGCCATGTTGGGTAGTTATTCATGGTGCCTGAGGT[C>A]TTGGCAAAGGTCTGCAGGGCCTATAGGAGGGTCAGGCCAGTCAGGGATAGGGCCTGGGCC-3'
Protein context (NP_073602.3, residues 888-908): DVEQALQTFA[Lys898Asn]TSGTMNNYPT

ClinVar aggregate classification (germline): Uncertain significance (1 of 4 stars; one submission).

Allele frequency attached by ClinVar (database versions not stated): gnomAD 0.00001; ExAC 0.00002; TOPMed 0.00002.
gnomAD v4.1: 2 of 1,613,958 alleles (0.00012%); highest among the groups gnomAD compares: African/African-American, 0.0027%; no homozygotes.

Submission:

Labcorp Genetics (formerly Invitae), Labcorp
Classification: Uncertain significance. Last evaluated: 2025-12-17. Review status: criteria provided, single submitter. Criteria: Invitae Variant Classification Sherloc (09022015). Collection method: clinical testing. Allele origin: germline.
Comment: This sequence change replaces lysine, which is basic and polar, with asparagine, which is neutral and polar, at codon 917 of the MICAL1 protein (p.Lys917Asn). This variant is present in population databases (rs755666940, gnomAD 0.01%). This variant has not been reported in the literature in individuals affected with MICAL1-related conditions. ClinVar contains an entry for this variant (Variation ID: 2717848). An algorithm developed to predict the effect of missense changes on protein structure and function (PolyPhen-2) suggests that this variant is likely to be tolerated. In summary, the available evidence is currently insufficient to determine the role of this variant in disease. Therefore, it has been classified as a Variant of Uncertain Significance.